The following is an entry in ClinVar:

ClinVar aggregate classification (germline): Uncertain significance (1 of 4 stars; one submission).

Submission:

GeneDx
Classification: Uncertain significance. Last evaluated: 2023-06-03. Review status: criteria provided, single submitter. Criteria: GeneDx Variant Classification Process June 2021. Collection method: clinical testing. Allele origin: germline. Affected: yes.
Comment: Not observed at significant frequency in large population cohorts (gnomAD); In silico analysis supports that this missense variant has a deleterious effect on protein structure/function; Has not been previously published as pathogenic or benign to our knowledge

NM_002430.3(MN1):c.2239C>G (p.Pro747Ala)

Gene: MN1 (MN1 proto-oncogene, transcriptional regulator; minus strand). Cytogenetic location: 22q12.1.
Variant type: single nucleotide variant.
Coding change: c.2239C>G on transcript NM_002430.3 (MANE Select); coding-DNA position 2239, C replaced by G.
Protein change: p.Pro747Ala; replaces proline 747 with alanine.
Molecular consequence: missense variant.
Genome position (GRCh38, 1-based): chr22:27,798,305, G>C on the plus strand (C>G on the coding strand, the complement: MN1 is on the minus strand). VCF-style: chr22-27798305-G-C. GRCh37 (hg19) VCF-style: chr22-28194293-G-C.
Other names: short protein forms P747A.
Identifiers: ClinVar variation 3252391 (VCV003252391.1), dbSNP rs1933345344.